The following is an entry in ClinVar:

NM_012210.4(TRIM32):c.371G>A (p.Arg124Gln)

Genes: ASTN2 (astrotactin 2; minus strand), TRIM32 (tripartite motif containing 32; plus strand). Cytogenetic location: 9q33.1.
Variant type: single nucleotide variant.
Coding change: c.371G>A on transcript NM_012210.4 (MANE Select); coding-DNA position 371, G replaced by A.
Protein change: p.Arg124Gln; replaces arginine 124 with glutamine.
Molecular consequence: missense variant. On other transcripts: intron variant (3).
Genome position (GRCh38, 1-based): chr9:116,698,113, G>A. VCF-style: chr9-116698113-G-A. GRCh37 (hg19) VCF-style: chr9-119460392-G-A.
Other names: c.2653+27658C>T (NM_014010.5); c.2794+27658C>T (NM_001365069.1); c.2806+27658C>T (NM_001365068.1); c.371G>A, p.Arg124Gln (NM_001099679.2, NM_001379048.1, NM_001379049.1 and 1 more transcripts); short protein forms R124Q.
Identifiers: ClinVar variation 998633 (VCV000998633.6), dbSNP rs750797541, ClinGen allele CA5210956.
Genomic context (GRCh38, chr9:116,698,113, plus strand): 5'-GGCGGCGTCTGCCCCGGCAATTCTGCCGGAGCTGTGGTTTGGTGTTATGTGAGCCCTGCC[G>A]GGAGGCAGACCATCAGCCTCCTGGCCACTGTACACTCCCTGTCAAAGAAGCAGCTGAGGA-3'
Protein context (NP_036342.2, residues 114-134): SCGLVLCEPC[Arg124Gln]EADHQPPGHC

ClinVar aggregate classification (germline): Uncertain significance (1 of 4 stars; one submission).

Conditions:
Bardet-Biedl syndrome (BBS). Identifiers: Orphanet 110, MedGen C0752166, MONDO:0015229.

Allele frequency attached by ClinVar (database versions not stated): TOPMed below 0.00001; gnomAD 0.00001; gnomAD exomes 0.00001; ExAC 0.00003.
gnomAD v4.1: 13 of 1,613,980 alleles (0.00081%); highest among the groups gnomAD compares: South Asian, 0.0044%; no homozygotes.

Submission:

Labcorp Genetics (formerly Invitae), Labcorp
Classification: Uncertain significance for Bardet-Biedl syndrome. Last evaluated: 2021-08-26. Review status: criteria provided, single submitter. Criteria: Invitae Variant Classification Sherloc (09022015). Collection method: clinical testing. Allele origin: germline.
Comment: This sequence change replaces arginine with glutamine at codon 124 of the TRIM32 protein (p.Arg124Gln). The arginine residue is moderately conserved and there is a small physicochemical difference between arginine and glutamine. This variant is present in population databases (rs750797541, ExAC 0.02%). This variant has not been reported in the literature in individuals affected with TRIM32-related conditions. Algorithms developed to predict the effect of missense changes on protein structure and function (SIFT, PolyPhen-2, Align-GVGD) all suggest that this variant is likely to be tolerated. Algorithms developed to predict the effect of sequence changes on RNA splicing suggest that this variant may create or strengthen a splice site. In summary, the available evidence is currently insufficient to determine the role of this variant in disease. Therefore, it has been classified as a Variant of Uncertain Significance.